The following is an entry in ClinVar:

NM_004259.7(RECQL5):c.1536G>A (p.Met512Ile)

Gene: RECQL5 (RecQ like helicase 5; minus strand). Cytogenetic location: 17q25.1.
Variant type: single nucleotide variant.
Coding change: c.1536G>A on transcript NM_004259.7 (MANE Select); coding-DNA position 1536, G replaced by A.
Protein change: p.Met512Ile; replaces methionine 512 with isoleucine.
Molecular consequence: missense variant.
Genome position (GRCh38, 1-based): chr17:75,631,162, C>T on the plus strand (G>A on the coding strand, the complement: RECQL5 is on the minus strand). VCF-style: chr17-75631162-C-T. GRCh37 (hg19) VCF-style: chr17-73627242-C-T.
Other names: short protein forms M512I.
Identifiers: ClinVar variation 3040622 (VCV003040622.2), dbSNP rs201834853, ClinGen allele CA8767479.
Genomic context (GRCh38, chr17:75,631,162, plus strand): 5'-AGGGGGCCACCAGGGGCCCCACACAGGCCACTGAGTGCCTCCCCTCACCTTGCGCAGCTG[C>T]ATCTGCTTCTGATAGAAGAGGTTCCACTCCCGCTTGTGGGCCTCATCTCTGCCTTCATCC-3'
Protein context (NP_004250.4, residues 502-522): REWNLFYQKQ[Met512Ile]QLRKGKDPKI

ClinVar aggregate classification (germline): Uncertain significance (0 of 4 stars; one submission).

Conditions:
RECQL5-related disorder. Also called: RECQL5-related condition.

Allele frequency attached by ClinVar (database versions not stated): 1000 Genomes Project 30x 0.00016; 1000 Genomes Project 0.00020; ExAC 0.00056; ESP Exome Variant Server 0.00077; gnomAD 0.00084; TOPMed 0.00090; gnomAD exomes 0.00141.
gnomAD v4.1: 2,198 of 1,613,864 alleles (0.14%); highest among the groups gnomAD compares: Non-Finnish European, 0.17%; 1 homozygote.

Submission:

PreventionGenetics, part of Exact Sciences
Classification: Uncertain significance for RECQL5-related condition. Last evaluated: 2024-01-10. Review status: no assertion criteria provided. Collection method: clinical testing. Allele origin: germline.
Comment: The RECQL5 c.1536G>A variant is predicted to result in the amino acid substitution p.Met512Ile. To our knowledge, this variant has not been reported in the literature. This variant is reported in 0.13% of alleles in individuals of European (Non-Finnish) descent in gnomAD, which may be too common to be a primary cause of disease. This variant is not listed in ClinVar. Although we suspect that this variant may be benign, at this time, the clinical significance of this variant is uncertain due to the absence of conclusive functional and genetic evidence.